The following is an entry in ClinVar:

NM_015629.4(PRPF31):c.724T>C (p.Ser242Pro)

Gene: PRPF31 (pre-mRNA processing factor 31; plus strand). Cytogenetic location: 19q13.42.
Variant type: single nucleotide variant.
Coding change: c.724T>C on transcript NM_015629.4 (MANE Select); coding-DNA position 724, T replaced by C.
Protein change: p.Ser242Pro; replaces serine 242 with proline.
Molecular consequence: missense variant.
Genome position (GRCh38, 1-based): chr19:54,124,525, T>C. VCF-style: chr19-54124525-T-C. GRCh37 (hg19) VCF-style: chr19-54627904-T-C.
Other names: short protein forms S242P.
Identifiers: ClinVar variation 2096029 (VCV002096029.4), dbSNP rs753164653, ClinGen allele CA407751107.

ClinVar aggregate classification (germline): Uncertain significance (1 of 4 stars; one submission).

gnomAD v4.1: 2 of 1,606,028 alleles (0.00012%); highest among the groups gnomAD compares: Non-Finnish European, 0.000085%; no homozygotes.

Submission:

Labcorp Genetics (formerly Invitae), Labcorp
Classification: Uncertain significance. Last evaluated: 2022-02-14. Review status: criteria provided, single submitter. Criteria: Invitae Variant Classification Sherloc (09022015). Collection method: clinical testing. Allele origin: germline.
Comment: Algorithms developed to predict the effect of missense changes on protein structure and function are either unavailable or do not agree on the potential impact of this missense change (SIFT: "Deleterious"; PolyPhen-2: "Benign"; Align-GVGD: "Class C0"). In summary, the available evidence is currently insufficient to determine the role of this variant in disease. Therefore, it has been classified as a Variant of Uncertain Significance. This variant has not been reported in the literature in individuals affected with PRPF31-related conditions. This variant is not present in population databases (gnomAD no frequency). This sequence change replaces serine, which is neutral and polar, with proline, which is neutral and non-polar, at codon 242 of the PRPF31 protein (p.Ser242Pro).